The following is an entry in ClinVar:

ClinVar aggregate classification (germline): Uncertain significance (1 of 4 stars; one submission).

Allele frequency attached by ClinVar (database versions not stated): TOPMed below 0.00001.

Submission:

Ambry Genetics
Classification: Uncertain significance. Last evaluated: 2023-02-08. Review status: criteria provided, single submitter. Criteria: Ambry Variant Classification Scheme 2023. Collection method: clinical testing. Allele origin: germline.
Comment: The p.G1410D variant (also known as c.4229G>A) is located in coding exon 39 of the KIF1B gene. The glycine at codon 1410 is replaced by aspartic acid, an amino acid with similar properties. This change occurs in the first base pair of coding exon 39. This amino acid position is conserved. In addition, this alteration is predicted to be deleterious by in silico analysis. Since supporting evidence is limited at this time, the clinical significance of this alteration remains unclear.

NM_001365951.3(KIF1B):c.4367G>A (p.Gly1456Asp)

Gene: KIF1B (kinesin family member 1B; plus strand). Cytogenetic location: 1p36.22.
Variant type: single nucleotide variant.
Coding change: c.4367G>A on transcript NM_001365951.3 (MANE Select); coding-DNA position 4367, G replaced by A.
Protein change: p.Gly1456Asp; replaces glycine 1456 with aspartic acid.
Molecular consequence: missense variant.
Genome position (GRCh38, 1-based): chr1:10,365,100, G>A. VCF-style: chr1-10365100-G-A. GRCh37 (hg19) VCF-style: chr1-10425158-G-A.
Other names: c.4367G>A, p.Gly1456Asp (NM_001365952.1); c.4229G>A, p.Gly1410Asp (NM_015074.3); short protein forms G1456D, G1410D.
Identifiers: ClinVar variation 2448768 (VCV002448768.2), dbSNP rs1569907256, ClinGen allele CA338319848.
Genomic context (GRCh38, chr1:10,365,100, plus strand): 5'-GACCTAAACTTGGAATTGAATTTTTTTTCTGAAACAAAAACTTGTTTCCTCTTGTCTTAG[G>A]TATGCAGAGAAGGAGAAGAAAAATCTTAGATACGTCAGTGGCATATGTGCGGGGAGAAGA-3'
Protein context (NP_001352880.1, residues 1446-1466): LCKMSDTGSP[Gly1456Asp]MQRRRRKILD